The following is an entry in ClinVar:

NM_022336.4(EDAR):c.1004A>C (p.Asn335Thr)

Genes: EDAR (ectodysplasin A receptor; minus strand), RANBP2 (RAN binding protein 2; plus strand). Cytogenetic location: 2q13.
Variant type: single nucleotide variant.
Coding change: c.1004A>C on transcript NM_022336.4 (MANE Select); coding-DNA position 1004, A replaced by C.
Protein change: p.Asn335Thr; replaces asparagine 335 with threonine.
Molecular consequence: missense variant.
Genome position (GRCh38, 1-based): chr2:108,906,328, T>G on the plus strand (A>C on the coding strand, the complement: EDAR is on the minus strand). VCF-style: chr2-108906328-T-G. GRCh37 (hg19) VCF-style: chr2-109522784-T-G.
Other names: short protein forms N335T.
Identifiers: ClinVar variation 3506597 (VCV003506597.2).

ClinVar aggregate classification (germline): Uncertain significance. Review status: criteria provided, multiple submitters, no conflicts (2 of 4 stars). 2 submissions from 2 submitters: Uncertain significance (2). Last evaluated 2025-11-03.

Conditions:
Ectodermal dysplasia 10A, hypohidrotic/hair/nail type, autosomal dominant (ECTD10A). Also called: Ectodermal Dysplasia 3, Anhidrotic. Identifiers: Orphanet 1810, Orphanet 238468, MedGen C3888065, MONDO:0007509, OMIM 129490.
Autosomal recessive hypohidrotic ectodermal dysplasia syndrome. Also called: Autosomal recessive hypohidrotic ectodermal dysplasia. Identifiers: Orphanet 248, MedGen C0406702, MONDO:0016619.
Inborn genetic diseases. Identifiers: MedGen C0950123, MeSH D030342.

gnomAD v4.1: 24 of 1,614,106 alleles (0.0015%); highest among the groups gnomAD compares: African/African-American, 0.024%; no homozygotes.

Submissions (2):

Labcorp Genetics (formerly Invitae), Labcorp
Classification: Uncertain significance for Ectodermal dysplasia 10A, hypohidrotic/hair/nail type, autosomal dominant; Autosomal recessive hypohidrotic ectodermal dysplasia syndrome. Last evaluated: 2025-11-03. Review status: criteria provided, single submitter. Criteria: Invitae Variant Classification Sherloc (09022015). Collection method: clinical testing. Allele origin: germline.
Comment: This sequence change replaces asparagine, which is neutral and polar, with threonine, which is neutral and polar, at codon 335 of the EDAR protein (p.Asn335Thr). This variant is present in population databases (rs143635489, gnomAD 0.01%). This variant has not been reported in the literature in individuals affected with EDAR-related conditions. ClinVar contains an entry for this variant (Variation ID: 3506597). Invitae Evidence Modeling of protein sequence and biophysical properties (such as structural, functional, and spatial information, amino acid conservation, physicochemical variation, residue mobility, and thermodynamic stability) indicates that this missense variant is expected to disrupt EDAR protein function with a positive predictive value of 80%. In summary, the available evidence is currently insufficient to determine the role of this variant in disease. Therefore, it has been classified as a Variant of Uncertain Significance.

Ambry Genetics
Classification: Uncertain significance for Inborn genetic diseases. Last evaluated: 2024-12-05. Review status: criteria provided, single submitter. Criteria: Ambry Variant Classification Scheme 2023. Collection method: clinical testing. Allele origin: germline.